The following is an entry in ClinVar:

NM_031229.4(RBCK1):c.875G>T (p.Gly292Val)

Gene: RBCK1 (RANBP2-type and C3HC4-type zinc finger containing 1; plus strand). Cytogenetic location: 20p13.
Variant type: single nucleotide variant.
Coding change: c.875G>T on transcript NM_031229.4 (MANE Select); coding-DNA position 875, G replaced by T.
Protein change: p.Gly292Val; replaces glycine 292 with valine.
Molecular consequence: missense variant. On other transcripts: non-coding transcript variant (1), intron variant (2).
Genome position (GRCh38, 1-based): chr20:420,989, G>T. VCF-style: chr20-420989-G-T. GRCh37 (hg19) VCF-style: chr20-401633-G-T.
Other names: c.926G>T, p.Gly309Val (NM_001410770.1); c.749G>T, p.Gly250Val (NM_006462.6); c.408-1138G>T (NM_001323956.2, NM_001323958.2); c.875G>T (NM_031229.2); short protein forms G292V, G250V, G309V.
Identifiers: ClinVar variation 2186467 (VCV002186467.2), dbSNP rs1409610178, ClinGen allele CA407928465.

ClinVar aggregate classification (germline): Uncertain significance. Review status: criteria provided, multiple submitters, no conflicts (2 of 4 stars). 2 submissions from 2 submitters: Uncertain significance (2). Last evaluated 2025-05-18.

Conditions:
Polyglucosan body myopathy type 1 (PGBM1). Also called: Polyglucosan body myopathy 1 with or without immunodeficiency; POLYGLUCOSAN BODY MYOPATHY WITHOUT IMMUNODEFICIENCY. Identifiers: Orphanet 329173, Orphanet 397937, MedGen C4014605, MONDO:0014389, OMIM 615895.
Inborn genetic diseases. Identifiers: MedGen C0950123, MeSH D030342.

Allele frequency attached by ClinVar (database versions not stated): gnomAD 0.00001.
gnomAD v4.1: 39 of 1,564,922 alleles (0.0025%); highest among the groups gnomAD compares: Non-Finnish European, 0.0031%; no homozygotes.

Submissions (2):

Ambry Genetics
Classification: Uncertain significance for Inborn genetic diseases. Last evaluated: 2025-05-18. Review status: criteria provided, single submitter. Criteria: Ambry Variant Classification Scheme 2023. Collection method: clinical testing. Allele origin: germline.

Labcorp Genetics (formerly Invitae), Labcorp
Classification: Uncertain significance for Polyglucosan body myopathy type 1. Last evaluated: 2022-04-21. Review status: criteria provided, single submitter. Criteria: Invitae Variant Classification Sherloc (09022015). Collection method: clinical testing. Allele origin: germline.
Comment: This sequence change replaces glycine, which is neutral and non-polar, with valine, which is neutral and non-polar, at codon 292 of the RBCK1 protein (p.Gly292Val). The frequency data for this variant in the population databases is considered unreliable, as metrics indicate poor data quality at this position in the gnomAD database. This variant has not been reported in the literature in individuals affected with RBCK1-related conditions. Algorithms developed to predict the effect of missense changes on protein structure and function are either unavailable or do not agree on the potential impact of this missense change (SIFT: "Not Available"; PolyPhen-2: "Possibly Damaging"; Align-GVGD: "Not Available"). In summary, the available evidence is currently insufficient to determine the role of this variant in disease. Therefore, it has been classified as a Variant of Uncertain Significance.